The following is an entry in ClinVar:

NM_001042492.3(NF1):c.2075_2081del (p.Tyr692fs)

Gene: NF1 (neurofibromin 1; plus strand). Cytogenetic location: 17q11.2.
Variant type: Deletion.
Coding change: c.2075_2081del on transcript NM_001042492.3 (MANE Select); coding-DNA positions 2075 to 2081, 7 bases deleted (ACATGTT; older notation c.2075_2081delACATGTT).
Protein change: p.Tyr692fs; shifts the reading frame from tyrosine 692.
Molecular consequence: frameshift variant.
Genome position (GRCh38, 1-based): chr17:31,226,508-31,226,514, ACATGTT deleted; deleting any 7 consecutive bases within chr17:31,226,507-31,226,514 gives the same sequence; the c. name uses the placement nearest the transcript's 3' end. VCF-style (leftmost placement, unchanged base first): chr17-31226506-GTACATGT-G. GRCh37 (hg19) VCF-style: chr17-29553524-GTACATGT-G.
Other names: c.2075_2081delACATGTT, p.Tyr692Phefs (NM_000267.4); short protein forms Y692fs.
Identifiers: ClinVar variation 1995738 (VCV001995738.4), dbSNP rs2508155545, ClinGen allele CA2580093141.

ClinVar aggregate classification (germline): Pathogenic (1 of 4 stars; one submission).

Conditions:
Neurofibromatosis, type 1 (NF1). Also called: Neurofibromatosis, type I; Peripheral type neurofibromatosis; NEUROFIBROMATOSIS, TYPE I, SOMATIC; VON RECKLINGHAUSEN DISEASE. Identifiers: Orphanet 636, MedGen C0027831, MONDO:0018975, OMIM 162200. Disease mechanism: loss of function.

Submission:

Labcorp Genetics (formerly Invitae), Labcorp
Classification: Pathogenic for Neurofibromatosis, type 1. Last evaluated: 2022-09-19. Review status: criteria provided, single submitter. Criteria: Invitae Variant Classification Sherloc (09022015). Collection method: clinical testing. Allele origin: germline.
Comment: This sequence change creates a premature translational stop signal (p.Tyr692Phefs*54) in the NF1 gene. It is expected to result in an absent or disrupted protein product. Loss-of-function variants in NF1 are known to be pathogenic (PMID: 10712197, 23913538). This variant is not present in population databases (gnomAD no frequency). This variant has not been reported in the literature in individuals affected with NF1-related conditions. For these reasons, this variant has been classified as Pathogenic.

Literature cited by the submitters: PubMed 10712197; PubMed 23913538.